The following is an entry in ClinVar:

NM_000081.4(LYST):c.5001G>A (p.Leu1667=)

Gene: LYST (lysosomal trafficking regulator; minus strand). Cytogenetic location: 1q42.3.
Variant type: single nucleotide variant.
Coding change: c.5001G>A on transcript NM_000081.4 (MANE Select); coding-DNA position 5001, G replaced by A.
Protein change: p.Leu1667=; no amino-acid change (leucine 1667 retained).
Molecular consequence: synonymous variant.
Genome position (GRCh38, 1-based): chr1:235,781,949, C>T on the plus strand (G>A on the coding strand, the complement: LYST is on the minus strand). VCF-style: chr1-235781949-C-T. GRCh37 (hg19) VCF-style: chr1-235945249-C-T.
Other names: c.5001G>A, p.Leu1667= (NM_001301365.1).
Identifiers: ClinVar variation 712190 (VCV000712190.10), dbSNP rs748942618, ClinGen allele CA1466718.

ClinVar aggregate classification (germline): Likely benign. Review status: criteria provided, single submitter (1 of 4 stars). 2 submissions from 2 submitters: Likely benign (1). 1 of the submissions does not count toward it. Last evaluated 2026-01-25.

Conditions:
Chédiak-Higashi syndrome (CHS). Also called: Chediak-Higashi Syndrome. Identifiers: Orphanet 167, MedGen C0007965, MONDO:0008963, OMIM 214500.
LYST-related disorder. Also called: LYST-related condition.

Allele frequency attached by ClinVar (database versions not stated): ExAC 0.00001; gnomAD exomes 0.00001; gnomAD 0.00002; TOPMed 0.00002.
gnomAD v4.1: 51 of 1,613,178 alleles (0.0032%); highest among the groups gnomAD compares: African/African-American, 0.0067%; no homozygotes.

Submissions (2):

Labcorp Genetics (formerly Invitae), Labcorp
Classification: Likely benign for Chédiak-Higashi syndrome. Last evaluated: 2026-01-25. Review status: criteria provided, single submitter. Criteria: Invitae Variant Classification Sherloc (09022015). Collection method: clinical testing. Allele origin: germline.

PreventionGenetics, part of Exact Sciences
Classification: Likely benign for LYST-related condition. Last evaluated: 2024-03-18. Review status: no assertion criteria provided. Collection method: clinical testing. Allele origin: germline. Not counted in ClinVar's aggregate classification.
Comment: This variant is classified as likely benign based on ACMG/AMP sequence variant interpretation guidelines (Richards et al. 2015 PMID: 25741868, with internal and published modifications).